The following is an entry in ClinVar:

NM_001033046.4(CYBC1):c.529G>A (p.Asp177Asn)

Gene: CYBC1 (cytochrome b-245 chaperone 1; minus strand). Cytogenetic location: 17q25.3.
Variant type: single nucleotide variant.
Coding change: c.529G>A on transcript NM_001033046.4 (MANE Select); coding-DNA position 529, G replaced by A.
Protein change: p.Asp177Asn; replaces aspartic acid 177 with asparagine.
Molecular consequence: missense variant. On other transcripts: non-coding transcript variant (4).
Genome position (GRCh38, 1-based): chr17:82,444,039, C>T on the plus strand (G>A on the coding strand, the complement: CYBC1 is on the minus strand). VCF-style: chr17-82444039-C-T. GRCh37 (hg19) VCF-style: chr17-80401915-C-T.
Other names: c.529G>A, p.Asp177Asn (NM_001100407.3, NM_001193653.2, NM_001193654.2 and 2 more transcripts); c.487G>A, p.Asp163Asn (NM_001100408.3); short protein forms D163N, D177N.
Identifiers: ClinVar variation 1682690 (VCV001682690.6), dbSNP rs767743543, ClinGen allele CA8858151.

ClinVar aggregate classification (germline): Uncertain significance (1 of 4 stars; one submission).

Allele frequency attached by ClinVar (database versions not stated): gnomAD 0.00001; TOPMed 0.00002; ExAC 0.00003; gnomAD exomes 0.00003 and 0.00004.

Submission:

Labcorp Genetics (formerly Invitae), Labcorp
Classification: Uncertain significance. Last evaluated: 2022-10-24. Review status: criteria provided, single submitter. Criteria: Invitae Variant Classification Sherloc (09022015). Collection method: clinical testing. Allele origin: germline.
Comment: In summary, the available evidence is currently insufficient to determine the role of this variant in disease. Therefore, it has been classified as a Variant of Uncertain Significance. Algorithms developed to predict the effect of missense changes on protein structure and function are either unavailable or do not agree on the potential impact of this missense change (SIFT: "Tolerated"; PolyPhen-2: "Possibly Damaging"; Align-GVGD: "Class C0"). This sequence change replaces aspartic acid, which is acidic and polar, with asparagine, which is neutral and polar, at codon 177 of the C17orf62 protein (p.Asp177Asn). ClinVar contains an entry for this variant (Variation ID: 1682690). This variant has not been reported in the literature in individuals affected with C17orf62-related conditions. This variant is present in population databases (rs767743543, gnomAD 0.01%).